The following is an entry in ClinVar:

ClinVar aggregate classification (germline): Uncertain significance. Review status: criteria provided, multiple submitters, no conflicts (2 of 4 stars). 2 submissions from 2 submitters: Uncertain significance (2). Last evaluated 2026-07-06.

Conditions:
Juvenile polyposis syndrome (JPS). Identifiers: Orphanet 2929, MedGen C0345893, MONDO:0017380, OMIM 174900.
Familial thoracic aortic aneurysm and aortic dissection (TAAD). Also called: Thoracic aortic aneurysms and dissections. Identifiers: Orphanet 91387, MedGen C4707243, MONDO:0019625.
Hereditary cancer-predisposing syndrome. Also called: Hereditary Cancer Syndrome; Neoplastic Syndromes, Hereditary; Hereditary neoplastic syndrome; Tumor predisposition. Identifiers: Orphanet 140162, MedGen C0027672, MeSH D009386, MONDO:0015356.

Submissions (2):

Ambry Genetics
Classification: Uncertain significance for Hereditary cancer-predisposing syndrome; Familial thoracic aortic aneurysm and aortic dissection. Last evaluated: 2026-07-06. Review status: criteria provided, single submitter. Criteria: Ambry Variant Classification Scheme 2023. Collection method: clinical testing. Allele origin: germline.
Comment: The p.P342L variant (also known as c.1025C>T), located in coding exon 8 of the SMAD4 gene, results from a C to T substitution at nucleotide position 1025. The proline at codon 342 is replaced by leucine, an amino acid with similar properties. This amino acid position is conserved. In addition, this alteration is predicted to be deleterious by in silico analysis. Based on the available evidence, the clinical significance of this variant remains unclear.

Labcorp Genetics (formerly Invitae), Labcorp
Classification: Uncertain significance for Juvenile polyposis syndrome. Last evaluated: 2021-07-28. Review status: criteria provided, single submitter. Criteria: Invitae Variant Classification Sherloc (09022015). Collection method: clinical testing. Allele origin: germline.
Comment: This sequence change replaces proline with leucine at codon 342 of the SMAD4 protein (p.Pro342Leu). The proline residue is highly conserved and there is a moderate physicochemical difference between proline and leucine. This variant is not present in population databases (ExAC no frequency). This variant has not been reported in the literature in individuals affected with SMAD4-related conditions. Advanced modeling of protein sequence and biophysical properties (such as structural, functional, and spatial information, amino acid conservation, physicochemical variation, residue mobility, and thermodynamic stability) performed at Invitae indicates that this missense variant is expected to disrupt SMAD4 protein function. In summary, the available evidence is currently insufficient to determine the role of this variant in disease. Therefore, it has been classified as a Variant of Uncertain Significance.

NM_005359.6(SMAD4):c.1025C>T (p.Pro342Leu)

Gene: SMAD4 (SMAD family member 4; plus strand). Cytogenetic location: 18q21.2.
Variant type: single nucleotide variant.
Coding change: c.1025C>T on transcript NM_005359.6 (MANE Select); coding-DNA position 1025, C replaced by T.
Protein change: p.Pro342Leu; replaces proline 342 with leucine.
Molecular consequence: missense variant.
Genome position (GRCh38, 1-based): chr18:51,065,492, C>T. VCF-style: chr18-51065492-C-T. GRCh37 (hg19) VCF-style: chr18-48591862-C-T.
Other names: c.1025C>T (NM_005359.5); short protein forms P342L.
Identifiers: ClinVar variation 1407829 (VCV001407829.7), dbSNP rs2144446883, ClinGen allele CA402464234.